The following is an entry in ClinVar:

ClinVar aggregate classification (germline): Uncertain significance (1 of 4 stars; one submission).

Conditions:
Mitochondrial disease. Also called: Mitochondrial disorders; Mitochondrial disorder. Identifiers: Orphanet 68380, MedGen C0751651, MeSH D028361, MONDO:0044970.

Submission:

Genomenon, Inc
Classification: Uncertain significance for Mitochondrial disease. Last evaluated: 2025-11-24. Review status: criteria provided, single submitter. Criteria: Genomenon Sequence Variant Interpretation Standards - Updated. Collection method: curation. Allele origin: germline. Affected: no.
Comment: TK2 p.Leu147Met (c.439C>A) is a missense variant that changes the amino acid at residue 147 from Leucine to Methionine. It is also described as L116M in the literature. This variant has been reported in the published literature (17266931). This variant is not present at a significant frequency in gnomAD. In conclusion, we classify TK2 p.Leu147Met (c.439C>A) as a variant of uncertain significance.

Literature cited by the submitters: PubMed 17266931.

NM_004614.5(TK2):c.439C>A (p.Leu147Met)

Gene: TK2 (thymidine kinase 2; minus strand). Cytogenetic location: 16q21.
Variant type: single nucleotide variant.
Coding change: c.439C>A on transcript NM_004614.5 (MANE Select); coding-DNA position 439, C replaced by A.
Protein change: p.Leu147Met; replaces leucine 147 with methionine.
Molecular consequence: missense variant. On other transcripts: non-coding transcript variant (1).
Genome position (GRCh38, 1-based): chr16:66,529,004, G>T on the plus strand (C>A on the coding strand, the complement: TK2 is on the minus strand). VCF-style: chr16-66529004-G-T. GRCh37 (hg19) VCF-style: chr16-66562907-G-T.
Other names: c.346C>A, p.Leu116Met (NM_001172643.1, NM_001271935.1); c.364C>A, p.Leu122Met (NM_001172644.2); c.385C>A, p.Leu129Met (NM_001172645.2); c.292C>A, p.Leu98Met (NM_001271934.2); c.148C>A, p.Leu50Met (NM_001272050.2); short protein forms L116M, L122M, L129M, L147M, L50M, L98M.
Identifiers: ClinVar variation 3778849 (VCV003778849.2).
Genomic context (GRCh38, chr16:66,529,004, plus strand): 5'-TTTGAAAAATTAGTGGTTTAATAAATTATCAACTATTCAAACTACAGTACCTTCTATACA[G>T]GTTTTCTACAAAAATGTATCTTGCGCTGTGAATCGACCTCTCCATCAACCGTACAGATGA-3'
Protein context (NP_004605.4, residues 137-157): HSARYIFVEN[Leu147Met]YRSGKMPEVD